The following is an entry in ClinVar:

ClinVar aggregate classification (germline): Uncertain significance. Review status: criteria provided, multiple submitters, no conflicts (2 of 4 stars). 2 submissions from 2 submitters: Uncertain significance (2). Last evaluated 2023-01-17.

Conditions:
RASopathy. Also called: rasopathies; Noonan spectrum disorder. Identifiers: Orphanet 536391, MedGen C5555857, MONDO:0021060.

Submissions (2):

Labcorp Genetics (formerly Invitae), Labcorp
Classification: Uncertain significance for RASopathy. Last evaluated: 2023-01-17. Review status: criteria provided, single submitter. Criteria: Invitae Variant Classification Sherloc (09022015). Collection method: clinical testing. Allele origin: germline.
Comment: In summary, the available evidence is currently insufficient to determine the role of this variant in disease. Therefore, it has been classified as a Variant of Uncertain Significance. Advanced modeling of protein sequence and biophysical properties (such as structural, functional, and spatial information, amino acid conservation, physicochemical variation, residue mobility, and thermodynamic stability) performed at Invitae indicates that this missense variant is not expected to disrupt BRAF protein function. ClinVar contains an entry for this variant (Variation ID: 280385). This variant has not been reported in the literature in individuals affected with BRAF-related conditions. This variant is not present in population databases (gnomAD no frequency). This sequence change replaces serine, which is neutral and polar, with phenylalanine, which is neutral and non-polar, at codon 319 of the BRAF protein (p.Ser319Phe).

GeneDx
Classification: Uncertain significance. Last evaluated: 2017-04-11. Review status: criteria provided, single submitter. Criteria: GeneDx Variant Classification (06012015). Collection method: clinical testing. Allele origin: germline. Affected: yes.
Comment: The S319F variant in the BRAF gene has not been reported previously as a pathogenic variant, nor as a benign variant, to our knowledge. The S319F variant was not observed in approximately 6500 individuals of European and African American ancestry in the NHLBI Exome Sequencing Project, indicating it is not a common benign variant in these populations. The S319F variant is a non-conservative amino acid substitution, which is likely to impact secondary protein structure as these residues differ in polarity, charge, size and/or other properties. This substitution occurs at a position that is not conserved. In silico analysis is inconsistent in its predictions as to whether or not the variant is damaging to the protein structure/function. We interpret S319F as a variant of uncertain significance

NM_004333.6(BRAF):c.956C>T (p.Ser319Phe)

Gene: BRAF (B-Raf proto-oncogene, serine/threonine kinase; minus strand). Cytogenetic location: 7q34.
Variant type: single nucleotide variant.
Coding change: c.956C>T on transcript NM_004333.6 (MANE Select); coding-DNA position 956, C replaced by T.
Protein change: p.Ser319Phe; replaces serine 319 with phenylalanine.
Molecular consequence: missense variant.
Genome position (GRCh38, 1-based): chr7:140,800,386, G>A on the plus strand (C>T on the coding strand, the complement: BRAF is on the minus strand). VCF-style: chr7-140800386-G-A. GRCh37 (hg19) VCF-style: chr7-140500186-G-A.
Other names: c.956C>T, p.Ser319Phe (NM_001354609.2, NM_001374244.1, NM_001374258.1 and 4 more transcripts); c.965C>T, p.Ser322Phe (NM_001378467.1); c.854C>T, p.Ser285Phe (NM_001378470.1); c.800C>T, p.Ser267Phe (NM_001378472.1, NM_001378473.1); c.692C>T, p.Ser231Phe (NM_001378475.1); short protein forms S319F, S231F, S267F, S285F, S322F.
Identifiers: ClinVar variation 280385 (VCV000280385.5), dbSNP rs886041599, ClinGen allele CA10603001.